The following is an entry in ClinVar:

NM_001282531.3(ADNP):c.191C>T (p.Thr64Met)

Gene: ADNP (activity dependent neuroprotector homeobox; minus strand). Cytogenetic location: 20q13.13.
Variant type: single nucleotide variant.
Coding change: c.191C>T on transcript NM_001282531.3 (MANE Select); coding-DNA position 191, C replaced by T.
Protein change: p.Thr64Met; replaces threonine 64 with methionine.
Molecular consequence: missense variant.
Genome position (GRCh38, 1-based): chr20:50,902,027, G>A on the plus strand (C>T on the coding strand, the complement: ADNP is on the minus strand). VCF-style: chr20-50902027-G-A. GRCh37 (hg19) VCF-style: chr20-49518564-G-A.
Other names: c.191C>T (NM_001282531.2); c.191C>T, p.Thr64Met (NM_001282532.2, NM_001347511.2, NM_015339.5 and 1 more transcripts); short protein forms T64M.
Identifiers: ClinVar variation 1194988 (VCV001194988.11), dbSNP rs752399004, ClinGen allele CA9908934.

ClinVar aggregate classification (germline): Benign/Likely benign. Review status: criteria provided, multiple submitters, no conflicts (2 of 4 stars). 4 submissions from 4 submitters: Benign (2); Likely benign (1). 1 of the submissions does not count toward it. Last evaluated 2026-01-11.

Conditions:
ADNP-related disorder. Also called: ADNP-related condition.
Inborn genetic diseases. Identifiers: MedGen C0950123, MeSH D030342.

Allele frequency attached by ClinVar (database versions not stated): gnomAD 0.00001; ExAC 0.00002; TOPMed 0.00002; gnomAD exomes 0.00005.
gnomAD v4.1: 18 of 1,612,854 alleles (0.0011%); highest among the groups gnomAD compares: Admixed American, 0.023%; no homozygotes.

Submissions (4):

Labcorp Genetics (formerly Invitae), Labcorp
Classification: Benign. Last evaluated: 2026-01-11. Review status: criteria provided, single submitter. Criteria: Invitae Variant Classification Sherloc (09022015). Collection method: clinical testing. Allele origin: germline.

GeneDx
Classification: Likely benign. Last evaluated: 2021-05-22. Review status: criteria provided, single submitter. Criteria: GeneDx Variant Classification Process June 2021. Collection method: clinical testing. Allele origin: germline. Affected: yes.

Ambry Genetics
Classification: Benign for Inborn genetic diseases. Last evaluated: 2018-12-22. Review status: criteria provided, single submitter. Criteria: Ambry Variant Classification Scheme 2023. Collection method: clinical testing. Allele origin: germline.

PreventionGenetics, part of Exact Sciences
Classification: Likely benign for ADNP-related condition. Last evaluated: 2023-09-14. Review status: no assertion criteria provided. Collection method: clinical testing. Allele origin: germline. Not counted in ClinVar's aggregate classification.
Comment: This variant is classified as likely benign based on ACMG/AMP sequence variant interpretation guidelines (Richards et al. 2015 PMID: 25741868, with internal and published modifications).